The following is an entry in ClinVar:

NM_000458.4(HNF1B):c.1535-46T>G

Gene: HNF1B (HNF1 homeobox B; minus strand). Cytogenetic location: 17q12.
Variant type: single nucleotide variant.
Coding change: c.1535-46T>G on transcript NM_000458.4 (MANE Select); 46 bases into the intron before coding-DNA position 1535, T replaced by G.
Molecular consequence: intron variant.
Genome position (GRCh38, 1-based): chr17:37,699,240, A>C on the plus strand (T>G on the coding strand, the complement: HNF1B is on the minus strand). VCF-style: chr17-37699240-A-C. GRCh37 (hg19) VCF-style: chr17-36059246-A-C.
Other names: c.1261+5677T>G (NM_001304286.2); c.1457-46T>G (NM_001165923.4).
Identifiers: ClinVar variation 674360 (VCV000674360.3), dbSNP rs2269842, ClinGen allele CA8518811.
Genomic context (GRCh38, chr17:37,699,240, plus strand): 5'-GCTTGTGTGCGTACACTGGAGAGACAGAGTGAAGACAGAATCAAGGTGCATACACAGGCA[A>C]AGACACAGGTACAGAGCCCCCATCCCACACCATAGCTCCCATCTCCTCAGGTAGATAAAA-3'

ClinVar aggregate classification (germline): Benign. Review status: criteria provided, multiple submitters, no conflicts (2 of 4 stars). 3 submissions from 3 submitters: Benign (3). Last evaluated 2018-06-14.

Conditions:
Maturity-onset diabetes of the young (MODY). Also called: Maturity onset diabetes mellitus in young. Identifiers: Orphanet 552, MedGen C0342276, MONDO:0018911, HP:0004904.

Allele frequency attached by ClinVar (database versions not stated): gnomAD exomes 0.28340 and 0.29082; ExAC 0.29204; 1000 Genomes Project 0.34485; TOPMed 0.34546; ESP Exome Variant Server 0.34799; 1000 Genomes Project 30x 0.35025.
gnomAD v4.1: 415,256 of 1,433,956 alleles (29%); highest among the groups gnomAD compares: African/African-American, 47%; 61,996 homozygotes.

Submissions (3):

GeneDx
Classification: Benign. Last evaluated: 2018-06-14. Review status: criteria provided, single submitter. Criteria: GeneDx Variant Classification (06012015). Collection method: clinical testing. Allele origin: germline. Affected: yes.
Comment: This variant is considered likely benign or benign based on one or more of the following criteria: it is a conservative change, it occurs at a poorly conserved position in the protein, it is predicted to be benign by multiple in silico algorithms, and/or has population frequency not consistent with disease.

Breakthrough Genomics
Classification: Benign. Review status: criteria provided, single submitter. Criteria: ACMG Guidelines, 2015. Collection method: not provided. Allele origin: germline. Inheritance: Autosomal dominant inheritance. Affected: yes.

Clinical Genomics, Uppaluri K&H Personalized Medicine Clinic
Classification: Benign for Maturity-onset diabetes of the young. Review status: criteria provided, single submitter. Criteria: K & H Uppaluri Personalized Medicine Clinic Variant Classification & Assertion Criteria_Updated V.1. Collection method: research. Allele origin: unknown. Inheritance: Autosomal dominant inheritance.
Comment: HNF1B gene mutations are associated with early onset diabetes and pancreatic atrophy. It is also associated with multiple renal manifestations including renal cysts, Tubulointerstitial disease, glomerulocystic disease, renal hypoplasia, hypomagnesemia. However no sufficient evidence is found to ascertain the role of this particular variant rs2269842, yet.

Literature cited by the submitters: PubMed 24897035 (cited by Clinical Genomics, Uppaluri K&H Personalized Medicine Clinic); PubMed 25536396 (cited by Clinical Genomics, Uppaluri K&H Personalized Medicine Clinic); PubMed 27615128 (cited by Clinical Genomics, Uppaluri K&H Personalized Medicine Clinic); PubMed 28215227 (cited by Clinical Genomics, Uppaluri K&H Personalized Medicine Clinic); PubMed 33434175 (cited by Clinical Genomics, Uppaluri K&H Personalized Medicine Clinic); PubMed 25741167 (cited by Clinical Genomics, Uppaluri K&H Personalized Medicine Clinic); PubMed 26340261 (cited by Clinical Genomics, Uppaluri K&H Personalized Medicine Clinic); PubMed 19639018 (cited by Clinical Genomics, Uppaluri K&H Personalized Medicine Clinic).